The following is an entry in ClinVar:

ClinVar aggregate classification (germline): Benign (0 of 4 stars; one submission).

Conditions:
ZC3H4-related disorder. Also called: ZC3H4-related condition.

Allele frequency attached by ClinVar (database versions not stated): gnomAD exomes 0.00345; ExAC 0.00902; gnomAD 0.01207; ESP Exome Variant Server 0.01230; TOPMed 0.01263; 1000 Genomes Project 30x 0.02295; 1000 Genomes Project 0.02296.
gnomAD v4.1: 7,108 of 1,613,956 alleles (0.44%); highest among the groups gnomAD compares: African/African-American, 3.7%; 144 homozygotes.

Submission:

PreventionGenetics, part of Exact Sciences
Classification: Benign for ZC3H4-related condition. Last evaluated: 2019-11-07. Review status: no assertion criteria provided. Collection method: clinical testing. Allele origin: germline.
Comment: This variant is classified as benign based on ACMG/AMP sequence variant interpretation guidelines (Richards et al. 2015 PMID: 25741868, with internal and published modifications).

NM_015168.2(ZC3H4):c.493-8G>T

Gene: ZC3H4 (zinc finger CCCH-type containing 4; minus strand). Cytogenetic location: 19q13.32.
Variant type: single nucleotide variant.
Coding change: c.493-8G>T on transcript NM_015168.2 (MANE Select); 8 bases into the intron before coding-DNA position 493, G replaced by T.
Molecular consequence: intron variant.
Genome position (GRCh38, 1-based): chr19:47,090,197, C>A on the plus strand (G>T on the coding strand, the complement: ZC3H4 is on the minus strand). VCF-style: chr19-47090197-C-A. GRCh37 (hg19) VCF-style: chr19-47593454-C-A.
Identifiers: ClinVar variation 3044464 (VCV003044464.2), dbSNP rs140874323, ClinGen allele CA9535576.